The following is an entry in ClinVar:

NM_032242.4(PLXNA1):c.2971G>A (p.Asp991Asn)

Genes: PLXNA1 (plexin A1; plus strand), LOC129937476 (ATAC-STARR-seq lymphoblastoid active region 20450; plus strand). Cytogenetic location: 3q21.3.
Variant type: single nucleotide variant.
Coding change: c.2971G>A on transcript NM_032242.4 (MANE Select); coding-DNA position 2971, G replaced by A.
Protein change: p.Asp991Asn; replaces aspartic acid 991 with asparagine.
Molecular consequence: missense variant.
Genome position (GRCh38, 1-based): chr3:127,015,277, G>A. VCF-style: chr3-127015277-G-A. GRCh37 (hg19) VCF-style: chr3-126734120-G-A.
Other names: short protein forms D991N.
Identifiers: ClinVar variation 4999854 (VCV004999854.1).

ClinVar aggregate classification (germline): Uncertain significance (1 of 4 stars; one submission).

Conditions:
PLXNA1-related disorder. Also called: PLXNA1-related condition.

gnomAD v4.1: 1 of 1,612,416 alleles (0.000062%); highest among the groups gnomAD compares: Non-Finnish European, 0.000085%; no homozygotes.

Submission:

PreventionGenetics, part of Exact Sciences
Classification: Uncertain significance for PLXNA1-related condition. Last evaluated: 2025-04-11. Review status: criteria provided, single submitter. Criteria: ACMG Guidelines, 2015. Collection method: clinical testing. Allele origin: germline.
Comment: The PLXNA1 c.2971G>A variant is predicted to result in the amino acid substitution p.Asp991Asn. To our knowledge, this variant has not been reported in the literature or in a large population database (gnomAD), indicating this variant is rare. At this time, the clinical significance of this variant is uncertain due to the absence of conclusive functional and genetic evidence.